The following is an entry in ClinVar:

NM_003901.4(SGPL1):c.1401G>A (p.Met467Ile)

Gene: SGPL1 (sphingosine-1-phosphate lyase 1; plus strand). Cytogenetic location: 10q22.1.
Variant type: single nucleotide variant.
Coding change: c.1401G>A on transcript NM_003901.4 (MANE Select); coding-DNA position 1401, G replaced by A.
Protein change: p.Met467Ile; replaces methionine 467 with isoleucine.
Molecular consequence: missense variant.
Genome position (GRCh38, 1-based): chr10:70,875,504, G>A. VCF-style: chr10-70875504-G-A. GRCh37 (hg19) VCF-style: chr10-72635261-G-A.
Other names: c.1401G>A (NM_003901.3); short protein forms M467I.
Identifiers: ClinVar variation 1416119 (VCV001416119.6), dbSNP rs374732188, ClinGen allele CA5541457.
Genomic context (GRCh38, chr10:70,875,504, plus strand): 5'-ATTGTCAGTCATTGCTCTGGGATCCCGTGATTTTGACATCTACCGACTATCAAACCTGAT[G>A]ACTGCTAAGGGGTGGAACTTGAACCAGTTGCAGTTCCCACCCAGGTAAGCTTGAAGAAGC-3'
Protein context (NP_003892.2, residues 457-477): DFDIYRLSNL[Met467Ile]TAKGWNLNQL

ClinVar aggregate classification (germline): Uncertain significance. Review status: criteria provided, multiple submitters, no conflicts (2 of 4 stars). 2 submissions from 2 submitters: Uncertain significance (2). Last evaluated 2021-08-28.

Conditions:
Inborn genetic diseases. Identifiers: MedGen C0950123, MeSH D030342.

Allele frequency attached by ClinVar (database versions not stated): gnomAD 0.00002; gnomAD exomes 0.00002 and 0.00004; ExAC 0.00003; TOPMed 0.00003; ESP Exome Variant Server 0.00008.
gnomAD v4.1: 37 of 1,613,278 alleles (0.0023%); highest among the groups gnomAD compares: Non-Finnish European, 0.00034%; no homozygotes.

Submissions (2):

Labcorp Genetics (formerly Invitae), Labcorp
Classification: Uncertain significance. Last evaluated: 2021-08-28. Review status: criteria provided, single submitter. Criteria: Invitae Variant Classification Sherloc (09022015). Collection method: clinical testing. Allele origin: germline.
Comment: This sequence change replaces methionine with isoleucine at codon 467 of the SGPL1 protein (p.Met467Ile). The methionine residue is moderately conserved and there is a small physicochemical difference between methionine and isoleucine. This variant is present in population databases (rs374732188, ExAC 0.006%). This variant has not been reported in the literature in individuals affected with SGPL1-related conditions. Algorithms developed to predict the effect of missense changes on protein structure and function (SIFT, PolyPhen-2, Align-GVGD) all suggest that this variant is likely to be tolerated. In summary, the available evidence is currently insufficient to determine the role of this variant in disease. Therefore, it has been classified as a Variant of Uncertain Significance.

Ambry Genetics
Classification: Uncertain significance for Inborn genetic diseases. Last evaluated: 2021-07-06. Review status: criteria provided, single submitter. Criteria: Ambry Variant Classification Scheme 2023. Collection method: clinical testing. Allele origin: germline.